The following is an entry in ClinVar:

ClinVar aggregate classification (germline): Uncertain significance (1 of 4 stars; one submission).

Conditions:
Inborn genetic diseases. Identifiers: MedGen C0950123, MeSH D030342.

Submission:

Ambry Genetics
Classification: Uncertain significance for Inborn genetic diseases. Last evaluated: 2026-03-12. Review status: criteria provided, single submitter. Criteria: Ambry Variant Classification Scheme 2023. Collection method: clinical testing. Allele origin: germline.
Comment: The p.D223V variant (also known as c.668A>T), located in coding exon 2 of the WT1 gene, results from an A to T substitution at nucleotide position 668. The aspartic acid at codon 223 is replaced by valine, an amino acid with highly dissimilar properties. This amino acid position is conserved. In addition, this alteration is predicted to be deleterious by in silico analysis. Based on the available evidence, the clinical significance of this variant remains unclear.

NM_024426.6(WT1):c.683A>T (p.Asp228Val)

Gene: WT1 (WT1 transcription factor; minus strand). Cytogenetic location: 11p13.
Variant type: single nucleotide variant.
Coding change: c.683A>T on transcript NM_024426.6 (MANE Select); coding-DNA position 683, A replaced by T.
Protein change: p.Asp228Val; replaces aspartic acid 228 with valine.
Molecular consequence: missense variant. On other transcripts: 5 prime UTR variant (1), non-coding transcript variant (2), intron variant (2).
Genome position (GRCh38, 1-based): chr11:32,428,598, T>A on the plus strand (A>T on the coding strand, the complement: WT1 is on the minus strand). VCF-style: chr11-32428598-T-A. GRCh37 (hg19) VCF-style: chr11-32450144-T-A.
Other names: c.683A>T, p.Asp228Val (NM_000378.6, NM_001407044.1, NM_001407045.1 and 4 more transcripts); c.32A>T, p.Asp11Val (NM_001198551.2, NM_001198552.2); c.-80A>T (NM_001407051.1); c.464A>T, p.Asp155Val (NM_001429031.1, NM_001429032.1, NM_001429033.1 and 1 more transcripts); c.662-540A>T (NM_001407050.1, NM_001407047.1); short protein forms D223V, D11V, D228V, D155V.
Identifiers: ClinVar variation 4827529 (VCV004827529.1).
Genomic context (GRCh38, chr11:32,428,598, plus strand): 5'-GAGTGGTTGGGGAACTGCGCCGCATGGTGCGAGGGCGTGTGACCGTAGCTGGGCGTCCCG[T>A]CGAAGGTGACCGTGCTGTAACCTGCGGGAGCGGCGGAGAGAAGCACAGTGTCAGCGGTGC-3'
Protein context (NP_077744.4, residues 218-238): RNQGYSTVTF[Asp228Val]GTPSYGHTPS